The following is an entry in ClinVar:

NM_001042492.3(NF1):c.4924dup (p.Val1642fs)

Gene: NF1 (neurofibromin 1; plus strand). Cytogenetic location: 17q11.2.
Variant type: Duplication.
Coding change: c.4924dup on transcript NM_001042492.3 (MANE Select); coding-DNA position 4924, one base duplicated (G; older notation c.4924dupG).
Protein change: p.Val1642fs; shifts the reading frame from valine 1642.
Molecular consequence: frameshift variant.
Genome position (GRCh38, 1-based): chr17:31,325,908, G duplicated. VCF-style (leftmost placement, unchanged base first): chr17-31325907-T-TG. GRCh37 (hg19) VCF-style: chr17-29652925-T-TG.
Other names: c.4861dup, p.Val1621Glyfs (NM_000267.4); short protein forms V1642fs, V1621fs.
Identifiers: ClinVar variation 3651614 (VCV003651614.2).

ClinVar aggregate classification (germline): Pathogenic (1 of 4 stars; one submission).

Conditions:
Neurofibromatosis, type 1 (NF1). Also called: Peripheral type neurofibromatosis; VON RECKLINGHAUSEN DISEASE; Neurofibromatosis, type I; NEUROFIBROMATOSIS, TYPE I, SOMATIC. Identifiers: Orphanet 636, MedGen C0027831, MONDO:0018975, OMIM 162200. Disease mechanism: loss of function.

Submission:

Labcorp Genetics (formerly Invitae), Labcorp
Classification: Pathogenic for Neurofibromatosis, type 1. Last evaluated: 2025-07-09. Review status: criteria provided, single submitter. Criteria: Invitae Variant Classification Sherloc (09022015). Collection method: clinical testing. Allele origin: germline.
Comment: This sequence change creates a premature translational stop signal (p.Val1621Glyfs*10) in the NF1 gene. It is expected to result in an absent or disrupted protein product. Loss-of-function variants in NF1 are known to be pathogenic (PMID: 10712197, 23913538). This variant is not present in population databases (gnomAD no frequency). This variant has not been reported in the literature in individuals affected with NF1-related conditions. ClinVar contains an entry for this variant (Variation ID: 3651614). For these reasons, this variant has been classified as Pathogenic.

Literature cited by the submitters: PubMed 10712197; PubMed 23913538.